The following is an entry in ClinVar:

NM_014264.5(PLK4):c.1280C>T (p.Ala427Val)

Gene: PLK4 (polo like kinase 4; plus strand). Cytogenetic location: 4q28.1.
Variant type: single nucleotide variant.
Coding change: c.1280C>T on transcript NM_014264.5 (MANE Select); coding-DNA position 1280, C replaced by T.
Protein change: p.Ala427Val; replaces alanine 427 with valine.
Molecular consequence: missense variant.
Genome position (GRCh38, 1-based): chr4:127,886,650, C>T. VCF-style: chr4-127886650-C-T. GRCh37 (hg19) VCF-style: chr4-128807805-C-T.
Other names: c.1184C>T, p.Ala395Val (NM_001190799.2); c.1157C>T, p.Ala386Val (NM_001190801.2); short protein forms A386V, A395V, A427V.
Identifiers: ClinVar variation 1350703 (VCV001350703.6), dbSNP rs754107191, ClinGen allele CA3076718.

ClinVar aggregate classification (germline): Uncertain significance (1 of 4 stars; one submission).

Allele frequency attached by ClinVar (database versions not stated): TOPMed below 0.00001; ExAC 0.00001; gnomAD exomes 0.00001.
gnomAD v4.1: 3 of 1,613,092 alleles (0.00019%); highest among the groups gnomAD compares: Admixed American, 0.005%; no homozygotes.

Submission:

Labcorp Genetics (formerly Invitae), Labcorp
Classification: Uncertain significance. Last evaluated: 2021-09-22. Review status: criteria provided, single submitter. Criteria: Invitae Variant Classification Sherloc (09022015). Collection method: clinical testing. Allele origin: germline.
Comment: The frequency data for this variant in the population databases is considered unreliable, as metrics indicate poor data quality at this position in the ExAC database. This sequence change replaces alanine with valine at codon 427 of the PLK4 protein (p.Ala427Val). The alanine residue is weakly conserved and there is a small physicochemical difference between alanine and valine. This variant has not been reported in the literature in individuals affected with PLK4-related conditions. In summary, the available evidence is currently insufficient to determine the role of this variant in disease. Therefore, it has been classified as a Variant of Uncertain Significance. Algorithms developed to predict the effect of missense changes on protein structure and function output the following: SIFT: "Tolerated"; PolyPhen-2: "Benign"; Align-GVGD: "Class C0". The valine amino acid residue is found in multiple mammalian species, which suggests that this missense change does not adversely affect protein function.